The following is an entry in ClinVar:

ClinVar aggregate classification (germline): Pathogenic (1 of 4 stars; one submission).

Conditions:
Glycogen storage disease IXb (GSD9B). Also called: GLYCOGENOSIS OF LIVER AND MUSCLE, AUTOSOMAL RECESSIVE; GSD IXb; PHOSPHORYLASE KINASE DEFICIENCY OF LIVER AND MUSCLE, AUTOSOMAL RECESSIVE. Identifiers: Orphanet 79240, MedGen C0543514, MONDO:0009868, OMIM 261750.

Submission:

Labcorp Genetics (formerly Invitae), Labcorp
Classification: Pathogenic for Glycogen storage disease IXb. Last evaluated: 2025-05-05. Review status: criteria provided, single submitter. Criteria: Invitae Variant Classification Sherloc (09022015). Collection method: clinical testing. Allele origin: germline.
Comment: The PHKB gene has multiple clinically relevant transcripts. This variant occurs in alternate transcript NM_001031835.2, and corresponds to NM_000293.2:c.2427+996_2427+1000del in the primary transcript. This sequence change creates a premature translational stop signal (p.Leu782*) in the PHKB gene. It is expected to result in an absent or disrupted protein product. Loss-of-function variants in PHKB are known to be pathogenic (PMID: 9215682, 9326319). This variant is not present in population databases (gnomAD no frequency). This variant has not been reported in the literature in individuals affected with PHKB-related conditions. ClinVar contains an entry for this variant (Variation ID: 3001696). Algorithms developed to predict the effect of sequence changes on RNA splicing suggest that this variant is not likely to affect RNA splicing. For these reasons, this variant has been classified as Pathogenic.

Literature cited by the submitters: PubMed 9215682; PubMed 9326319.

NM_000293.3(PHKB):c.2427+996_2427+1000del

Gene: PHKB (phosphorylase kinase regulatory subunit beta; plus strand). Cytogenetic location: 16q12.1.
Variant type: Deletion.
Coding change: c.2427+996_2427+1000del on transcript NM_000293.3 (MANE Select); bases 996 to 1000 of the intron after coding-DNA position 2427, 5 bases deleted (TAAGT; older notation c.2427+996_2427+1000delTAAGT).
Molecular consequence: intron variant. On other transcripts: nonsense (2).
Genome position (GRCh38, 1-based): chr16:47,665,971-47,665,975, TAAGT deleted; deleting any 5 consecutive bases within chr16:47,665,970-47,665,975 gives the same sequence; the c. name uses the placement nearest the transcript's 3' end. VCF-style (leftmost placement, unchanged base first): chr16-47665969-TTTAAG-T. GRCh37 (hg19) VCF-style: chr16-47699880-TTTAAG-T.
Other names: c.2345_2349del, p.Leu781_Leu782insTer (NM_001031835.3); c.2366_2370del, p.Leu788_Leu789insTer (NM_001363837.1).
Identifiers: ClinVar variation 3001696 (VCV003001696.3), dbSNP rs1973531054, ClinGen allele CA977048354.